The following is an entry in ClinVar:

ClinVar aggregate classification (germline): Conflicting classifications of pathogenicity. Review status: criteria provided, conflicting classifications (1 of 4 stars). 4 submissions from 4 submitters: Uncertain significance (2); Likely benign (2). Last evaluated 2025-12-05.

Conditions:
Hereditary cancer-predisposing syndrome. Also called: Neoplastic Syndromes, Hereditary; Hereditary Cancer Syndrome; Tumor predisposition; Hereditary neoplastic syndrome. Identifiers: Orphanet 140162, MedGen C0027672, MeSH D009386, MONDO:0015356.
EGFR-related lung cancer (EGFR). Identifiers: MedGen CN130014.
Lung cancer. Also called: Malignant tumor of lung; Lung cancer, somatic. Identifiers: MedGen C0242379, MONDO:0008903, OMIM 211980.

Allele frequency attached by ClinVar (database versions not stated): gnomAD 0.00001; ExAC 0.00002; gnomAD exomes 0.00002; TOPMed 0.00002.
gnomAD v4.1: 32 of 1,612,238 alleles (0.002%); highest among the groups gnomAD compares: South Asian, 0.0044%; no homozygotes.

Submissions (4):

Labcorp Genetics (formerly Invitae), Labcorp
Classification: Uncertain significance for EGFR-related lung cancer. Last evaluated: 2025-12-05. Review status: criteria provided, single submitter. Criteria: Invitae Variant Classification Sherloc (09022015). Collection method: clinical testing. Allele origin: germline.
Comment: This sequence change replaces alanine, which is neutral and non-polar, with threonine, which is neutral and polar, at codon 1118 of the EGFR protein (p.Ala1118Thr). This variant is present in population databases (rs770749711, gnomAD 0.007%). This missense change has been observed in individual(s) with breast cancer (PMID: 35264596). ClinVar contains an entry for this variant (Variation ID: 584702). An algorithm developed to predict the effect of missense changes on protein structure and function outputs the following: PolyPhen-2: "Benign". The threonine amino acid residue is found in multiple mammalian species, which suggests that this missense change does not adversely affect protein function. In summary, the available evidence is currently insufficient to determine the role of this variant in disease. Therefore, it has been classified as a Variant of Uncertain Significance.

Ambry Genetics
Classification: Likely benign for Hereditary cancer-predisposing syndrome. Last evaluated: 2024-10-17. Review status: criteria provided, single submitter. Criteria: Ambry Variant Classification Scheme 2023. Collection method: clinical testing. Allele origin: germline.

Mendelics
Classification: Likely benign for Lung cancer. Last evaluated: 2024-04-09. Review status: criteria provided, single submitter. Criteria: ACMG Guidelines, 2015. Collection method: clinical testing. Allele origin: unknown.

Revvity Omics, Revvity
Classification: Uncertain significance. Last evaluated: 2021-10-05. Review status: criteria provided, single submitter. Criteria: ACMG Guidelines, 2015. Collection method: clinical testing. Allele origin: germline.

Literature cited by the submitters: PubMed 35264596 (cited by Labcorp Genetics (formerly Invitae), Labcorp).

NM_005228.5(EGFR):c.3352G>A (p.Ala1118Thr)

Gene: EGFR (epidermal growth factor receptor; plus strand). Cytogenetic location: 7p11.2.
Variant type: single nucleotide variant.
Coding change: c.3352G>A on transcript NM_005228.5 (MANE Select); coding-DNA position 3352, G replaced by A.
Protein change: p.Ala1118Thr; replaces alanine 1118 with threonine.
Molecular consequence: missense variant.
Genome position (GRCh38, 1-based): chr7:55,205,336, G>A. VCF-style: chr7-55205336-G-A. GRCh37 (hg19) VCF-style: chr7-55273029-G-A.
Other names: c.3217G>A, p.Ala1073Thr (NM_001346899.2); c.3193G>A, p.Ala1065Thr (NM_001346900.2); c.2551G>A, p.Ala851Thr (NM_001346941.2); short protein forms A1118T, A851T, A1065T, A1073T.
Identifiers: ClinVar variation 584702 (VCV000584702.15), dbSNP rs770749711, ClinGen allele CA4266384.
Genomic context (GRCh38, chr7:55,205,336, plus strand): 5'-CCCAAAAGGCCCGCTGGCTCTGTGCAGAATCCTGTCTATCACAATCAGCCTCTGAACCCC[G>A]CGCCCAGCAGAGACCCACACTACCAGGACCCCCACAGCACTGCAGTGGGCAACCCCGAGT-3'
Protein context (NP_005219.2, residues 1108-1128): PVYHNQPLNP[Ala1118Thr]PSRDPHYQDP